The following is an entry in ClinVar:

ClinVar aggregate classification (germline): Likely pathogenic. Review status: criteria provided, multiple submitters, no conflicts (2 of 4 stars). 3 submissions from 3 submitters: Likely pathogenic (2). 1 of the submissions does not count toward it. Last evaluated 2024-12-17.

Conditions:
Gastric cancer. Also called: Malignant tumor of stomach; Stomach cancer. Identifiers: MedGen C0024623, MeSH D013274, MONDO:0001056, OMIM 613659, HP:0012126.
EPCAM-related disorder. Also called: EPCAM-related condition.
Familial cancer of breast. Also called: Hereditary breast cancer; hereditary breast carcinoma; BREAST CANCER, FAMILIAL. Identifiers: Orphanet 227535, MedGen C0346153, MONDO:0016419, OMIM 114480. Disease mechanism: loss of function.

Allele frequency attached by ClinVar (database versions not stated): TOPMed below 0.00001; gnomAD 0.00001; ExAC 0.00012.

Submissions (3):

KCCC/NGS Laboratory, Kuwait Cancer Control Center
Classification: Likely pathogenic for Familial cancer of breast. Last evaluated: 2024-12-17. Review status: criteria provided, single submitter. Criteria: ACMG Guidelines, 2015. Collection method: clinical testing. Allele origin: germline. Inheritance: Autosomal dominant inheritance. Affected: yes. Observed: 1 heterozygote.
Comment: The EPCAM c.1A>G variant is predicted to disrupt the translation initiation site (Start loss) and loss-of-function is a known mechanism of disease . This variant has not been reported in the literature. This Variant not found in gnomAD. In silico prediction tools (PolyPhen, SIFT , M-CAP , CADD ,MetaRNN, BayesDel addAF and MutPred ) support its disease causing variant . Therefore, it has been classified as likely pathogenic variant . Pathogenic/likely pathogenic heterozygous variants in the EPCAM gene cause autosomal dominant Lynch syndrome 8 (OMIM # 613244) which has Incomplete penetrance

PreventionGenetics, part of Exact Sciences
Classification: Likely pathogenic for EPCAM-related condition. Last evaluated: 2023-08-29. Review status: criteria provided, single submitter. Criteria: ACMG Guidelines, 2015. Collection method: clinical testing. Allele origin: germline.
Comment: The EPCAM c.1A>G variant is predicted to disrupt the translation initiation site (Start loss). To our knowledge, this variant has not been reported in the literature. This variant is reported in 0.0045% of alleles in individuals of South Asian descent in gnomAD. Other predicted loss-of-function variants have been reported nearby (see, for example, Cheema et al. 2020. PubMed ID: 33083013; Zhu et al. 2020. PubMed ID: 33240318). This variant is interpreted as likely pathogenic.

Laboratory for Genotyping Development, RIKEN
Classification: Pathogenic for Gastric cancer. Last evaluated: 2021-07-01. Review status: no assertion criteria provided. Collection method: research. Allele origin: germline. Not counted in ClinVar's aggregate classification.

Literature cited by the submitters: PubMed 36988593 (cited by Laboratory for Genotyping Development, RIKEN).

NM_002354.3(EPCAM):c.1A>G (p.Met1Val)

Gene: EPCAM (epithelial cell adhesion molecule; plus strand). Cytogenetic location: 2p21.
Variant type: single nucleotide variant.
Coding change: c.1A>G on transcript NM_002354.3 (MANE Select); coding-DNA position 1, A replaced by G.
Protein change: p.Met1Val; changes the start codon (methionine 1).
Molecular consequence: missense variant, initiator codon variant.
Genome position (GRCh38, 1-based): chr2:47,369,506, A>G. VCF-style: chr2-47369506-A-G. GRCh37 (hg19) VCF-style: chr2-47596645-A-G.
Other names: short protein forms M1V.
Identifiers: ClinVar variation 1801655 (VCV001801655.5), dbSNP rs752808238, ClinGen allele CA1648796.